The following is an entry in ClinVar:

ClinVar aggregate classification (germline): Uncertain significance. Review status: criteria provided, multiple submitters, no conflicts (2 of 4 stars). 3 submissions from 3 submitters: Uncertain significance (3). Last evaluated 2023-03-16.

Conditions:
Hereditary cancer-predisposing syndrome. Also called: Neoplastic Syndromes, Hereditary; Hereditary Cancer Syndrome; Hereditary neoplastic syndrome; Tumor predisposition. Identifiers: Orphanet 140162, MedGen C0027672, MeSH D009386, MONDO:0015356.
Cardiovascular phenotype. Identifiers: MedGen CN230736.
Neurofibromatosis, type 1 (NF1). Also called: Neurofibromatosis, type I; Peripheral type neurofibromatosis; VON RECKLINGHAUSEN DISEASE; NEUROFIBROMATOSIS, TYPE I, SOMATIC. Identifiers: Orphanet 636, MedGen C0027831, MONDO:0018975, OMIM 162200. Disease mechanism: loss of function.

Allele frequency attached by ClinVar (database versions not stated): gnomAD exomes below 0.00001.
gnomAD v4.1: 2 of 1,612,672 alleles (0.00012%); highest among the groups gnomAD compares: Non-Finnish European, 0.00017%; no homozygotes.

Submissions (3):

Labcorp Genetics (formerly Invitae), Labcorp
Classification: Uncertain significance for Neurofibromatosis, type 1. Last evaluated: 2023-03-16. Review status: criteria provided, single submitter. Criteria: Invitae Variant Classification Sherloc (09022015). Collection method: clinical testing. Allele origin: germline.
Comment: ClinVar contains an entry for this variant (Variation ID: 826061). In summary, the available evidence is currently insufficient to determine the role of this variant in disease. Therefore, it has been classified as a Variant of Uncertain Significance. Advanced modeling of protein sequence and biophysical properties (such as structural, functional, and spatial information, amino acid conservation, physicochemical variation, residue mobility, and thermodynamic stability) performed at Invitae indicates that this missense variant is expected to disrupt NF1 protein function. This variant has not been reported in the literature in individuals affected with NF1-related conditions. This variant is not present in population databases (gnomAD no frequency). This sequence change replaces tryptophan, which is neutral and slightly polar, with arginine, which is basic and polar, at codon 1976 of the NF1 protein (p.Trp1976Arg).

Genome-Nilou Lab
Classification: Uncertain significance for Neurofibromatosis, type 1. Last evaluated: 2022-03-15. Review status: criteria provided, single submitter. Criteria: ACMG Guidelines, 2015. Collection method: clinical testing. Allele origin: germline. Affected: no.

Ambry Genetics
Classification: Uncertain significance for Cardiovascular phenotype; Hereditary cancer-predisposing syndrome. Last evaluated: 2017-11-29. Review status: criteria provided, single submitter. Criteria: Ambry Variant Classification Scheme 2023. Collection method: clinical testing. Allele origin: germline.
Comment: The p.W1976R variant (also known as c.5926T>C), located in coding exon 39 of the NF1 gene, results from a T to C substitution at nucleotide position 5926. The tryptophan at codon 1976 is replaced by arginine, an amino acid with dissimilar properties. This amino acid position is highly conserved in available vertebrate species. In addition, this alteration is predicted to be deleterious by in silico analysis. Since supporting evidence is limited at this time, the clinical significance of this alteration remains unclear.

NM_001042492.3(NF1):c.5989T>C (p.Trp1997Arg)

Gene: NF1 (neurofibromin 1; plus strand). Cytogenetic location: 17q11.2.
Variant type: single nucleotide variant.
Coding change: c.5989T>C on transcript NM_001042492.3 (MANE Select); coding-DNA position 5989, T replaced by C.
Protein change: p.Trp1997Arg; replaces tryptophan 1997 with arginine.
Molecular consequence: missense variant.
Genome position (GRCh38, 1-based): chr17:31,335,014, T>C. VCF-style: chr17-31335014-T-C. GRCh37 (hg19) VCF-style: chr17-29662032-T-C.
Other names: c.5926T>C, p.Trp1976Arg (NM_000267.4); short protein forms W1997R, W1976R.
Identifiers: ClinVar variation 826061 (VCV000826061.12), dbSNP rs1597840306, ClinGen allele CA399010945.